The following is an entry in ClinVar:

NM_015474.4(SAMHD1):c.1222C>T (p.Arg408Cys)

Gene: SAMHD1 (SAM and HD domain containing deoxynucleoside triphosphate triphosphohydrolase 1; minus strand). Cytogenetic location: 20q11.23.
Variant type: single nucleotide variant.
Coding change: c.1222C>T on transcript NM_015474.4 (MANE Select); coding-DNA position 1222, C replaced by T.
Protein change: p.Arg408Cys; replaces arginine 408 with cysteine.
Molecular consequence: missense variant.
Genome position (GRCh38, 1-based): chr20:36,911,266, G>A on the plus strand (C>T on the coding strand, the complement: SAMHD1 is on the minus strand). VCF-style: chr20-36911266-G-A. GRCh37 (hg19) VCF-style: chr20-35539669-G-A.
Other names: c.1222C>T, p.Arg408Cys (NM_001363729.2, NM_001363733.2); short protein forms R408C.
Identifiers: ClinVar variation 958355 (VCV000958355.6), dbSNP rs776994886, ClinGen allele CA9844556.

ClinVar aggregate classification (germline): Uncertain significance. Review status: criteria provided, multiple submitters, no conflicts (2 of 4 stars). 3 submissions from 3 submitters: Uncertain significance (2). 1 of the submissions does not count toward it. Last evaluated 2025-06-29.

Conditions:
Aicardi Goutieres syndrome (AGS). Also called: Encephalopathy, familial infantile, with calcification of basal ganglia and chronic cerebrospinal fluid lymphocytosis. Identifiers: Orphanet 51, MedGen C0393591, MONDO:0018866.
Aicardi-Goutieres syndrome 5. Identifiers: Orphanet 51, MedGen C2749659, MONDO:0013059, OMIM 612952.
Inborn genetic diseases. Identifiers: MedGen C0950123, MeSH D030342.

Allele frequency attached by ClinVar (database versions not stated): gnomAD 0.00001; gnomAD exomes 0.00001; TOPMed 0.00001; ExAC 0.00002.
gnomAD v4.1: 13 of 1,613,112 alleles (0.00081%); highest among the groups gnomAD compares: Admixed American, 0.0017%; no homozygotes.

Submissions (3):

Ambry Genetics
Classification: Uncertain significance for Inborn genetic diseases. Last evaluated: 2025-06-29. Review status: criteria provided, single submitter. Criteria: Ambry Variant Classification Scheme 2023. Collection method: clinical testing. Allele origin: germline.

Labcorp Genetics (formerly Invitae), Labcorp
Classification: Uncertain significance for Aicardi-Goutieres syndrome 5. Last evaluated: 2022-07-26. Review status: criteria provided, single submitter. Criteria: Invitae Variant Classification Sherloc (09022015). Collection method: clinical testing. Allele origin: germline.
Comment: This sequence change replaces arginine, which is basic and polar, with cysteine, which is neutral and slightly polar, at codon 408 of the SAMHD1 protein (p.Arg408Cys). This variant is present in population databases (rs776994886, gnomAD 0.002%). This variant has not been reported in the literature in individuals affected with SAMHD1-related conditions. ClinVar contains an entry for this variant (Variation ID: 958355). Algorithms developed to predict the effect of missense changes on protein structure and function output the following: SIFT: "Tolerated"; PolyPhen-2: "Benign"; Align-GVGD: "Class C0". The cysteine amino acid residue is found in multiple mammalian species, which suggests that this missense change does not adversely affect protein function. In summary, the available evidence is currently insufficient to determine the role of this variant in disease. Therefore, it has been classified as a Variant of Uncertain Significance.

Natera, Inc.
Classification: Uncertain significance for Aicardi-Goutieres syndrome. Last evaluated: 2021-04-10. Review status: no assertion criteria provided. Collection method: clinical testing. Allele origin: germline. Not counted in ClinVar's aggregate classification.